The following is an entry in ClinVar:

NM_000543.5(SMPD1):c.52G>T (p.Glu18Ter)

Genes: SMPD1 (sphingomyelin phosphodiesterase 1; plus strand), LOC130005193 (ATAC-STARR-seq lymphoblastoid silent region 3099; plus strand). Cytogenetic location: 11p15.4.
Variant type: single nucleotide variant.
Coding change: c.52G>T on transcript NM_000543.5 (MANE Select); coding-DNA position 52, G replaced by T.
Protein change: p.Glu18Ter; replaces glutamic acid 18 with a stop codon.
Molecular consequence: nonsense. On other transcripts: 5 prime UTR variant (1), non-coding transcript variant (2).
Genome position (GRCh38, 1-based): chr11:6,390,650, G>T. VCF-style: chr11-6390650-G-T. GRCh37 (hg19) VCF-style: chr11-6411880-G-T.
Other names: c.52G>T, p.Glu18Ter (NM_001007593.3, NM_001318087.2, NM_001365135.2); c.-910G>T (NM_001318088.2); short protein forms E18*.
Identifiers: ClinVar variation 552301 (VCV000552301.7), dbSNP rs1428487333, ClinGen allele CA379366668.

ClinVar aggregate classification (germline): Pathogenic. Review status: criteria provided, single submitter (1 of 4 stars). 2 submissions from 2 submitters: Pathogenic (1). 1 of the submissions does not count toward it. Last evaluated 2022-06-29.

Conditions:
Niemann-Pick disease, type A. Also called: Infantile Neurovisceral ASMD (Niemann-Pick Disease Type A; NPD-A); SPHINGOMYELIN LIPIDOSIS; SPHINGOMYELINASE DEFICIENCY. Identifiers: Orphanet 77292, MedGen C0268242, MONDO:0009756, OMIM 257200. Disease mechanism: loss of function.
Niemann-Pick disease, type B. Also called: Chronic Visceral ASMD (Niemann-Pick Disease Type B; NPD-B). Identifiers: Orphanet 77293, MedGen C0268243, MONDO:0011871, OMIM 607616. Disease mechanism: loss of function.

Submissions (2):

Labcorp Genetics (formerly Invitae), Labcorp
Classification: Pathogenic for Niemann-Pick disease, type B; Niemann-Pick disease, type A. Last evaluated: 2022-06-29. Review status: criteria provided, single submitter. Criteria: Invitae Variant Classification Sherloc (09022015). Collection method: clinical testing. Allele origin: germline.
Comment: This variant has not been reported in the literature in individuals affected with SMPD1-related conditions. ClinVar contains an entry for this variant (Variation ID: 552301). For these reasons, this variant has been classified as Pathogenic. This variant is not present in population databases (gnomAD no frequency). This sequence change creates a premature translational stop signal (p.Glu18*) in the SMPD1 gene. It is expected to result in an absent or disrupted protein product. Loss-of-function variants in SMPD1 are known to be pathogenic (PMID: 12369017, 15221801).

Counsyl
Classification: Likely pathogenic for Niemann-Pick disease, type A. Last evaluated: 2017-06-02. Review status: no assertion criteria provided. Collection method: clinical testing. Allele origin: unknown. Not counted in ClinVar's aggregate classification.

Literature cited by the submitters: PubMed 12369017 (cited by Labcorp Genetics (formerly Invitae), Labcorp); PubMed 15221801 (cited by Labcorp Genetics (formerly Invitae), Labcorp).